The following is an entry in ClinVar:

ClinVar aggregate classification (germline): Uncertain significance (1 of 4 stars; one submission).

Conditions:
Camptomelic dysplasia (CMPD). Also called: CMPD1/SRA1; Campomelic Dysplasia. Identifiers: Orphanet 140, MedGen C1861922, MONDO:0007251, OMIM 114290.

gnomAD v4.1: 2 of 1,613,992 alleles (0.00012%); highest among the groups gnomAD compares: Non-Finnish European, 0.00017%; no homozygotes.

Submission:

Labcorp Genetics (formerly Invitae), Labcorp
Classification: Uncertain significance for Camptomelic dysplasia. Last evaluated: 2022-06-15. Review status: criteria provided, single submitter. Criteria: Invitae Variant Classification Sherloc (09022015). Collection method: clinical testing. Allele origin: germline.
Comment: This variant has not been reported in the literature in individuals affected with SOX9-related conditions. Advanced modeling of protein sequence and biophysical properties (such as structural, functional, and spatial information, amino acid conservation, physicochemical variation, residue mobility, and thermodynamic stability) performed at Invitae indicates that this missense variant is not expected to disrupt SOX9 protein function. In summary, the available evidence is currently insufficient to determine the role of this variant in disease. Therefore, it has been classified as a Variant of Uncertain Significance. This variant is not present in population databases (gnomAD no frequency). This sequence change replaces arginine, which is basic and polar, with glycine, which is neutral and non-polar, at codon 271 of the SOX9 protein (p.Arg271Gly).

NM_000346.4(SOX9):c.811C>G (p.Arg271Gly)

Gene: SOX9 (SRY-box transcription factor 9; plus strand). Cytogenetic location: 17q24.3.
Variant type: single nucleotide variant.
Coding change: c.811C>G on transcript NM_000346.4 (MANE Select); coding-DNA position 811, C replaced by G.
Protein change: p.Arg271Gly; replaces arginine 271 with glycine.
Molecular consequence: missense variant.
Genome position (GRCh38, 1-based): chr17:72,123,668, C>G. VCF-style: chr17-72123668-C-G. GRCh37 (hg19) VCF-style: chr17-70119809-C-G.
Other names: short protein forms R271G.
Identifiers: ClinVar variation 2007157 (VCV002007157.4), dbSNP rs771635102, ClinGen allele CA400867091.